The following is an entry in ClinVar:

ClinVar aggregate classification (germline): Uncertain significance (1 of 4 stars; one submission).

gnomAD v4.1: 6 of 1,614,068 alleles (0.00037%); highest among the groups gnomAD compares: Non-Finnish European, 0.00051%; no homozygotes.

Submission:

GeneDx
Classification: Uncertain significance. Last evaluated: 2023-11-01. Review status: criteria provided, single submitter. Criteria: GeneDx Variant Classification Process June 2021. Collection method: clinical testing. Allele origin: germline. Affected: yes.
Comment: Not observed at significant frequency in large population cohorts (gnomAD); In silico analysis supports that this missense variant has a deleterious effect on protein structure/function; Has not been previously published as pathogenic or benign to our knowledge

NM_001148.6(ANK2):c.3556G>A (p.Gly1186Arg)

Gene: ANK2 (ankyrin 2; plus strand). Cytogenetic location: 4q26.
Variant type: single nucleotide variant.
Coding change: c.3556G>A on transcript NM_001148.6 (MANE Select); coding-DNA position 3556, G replaced by A.
Protein change: p.Gly1186Arg; replaces glycine 1186 with arginine.
Molecular consequence: missense variant. On other transcripts: 5 prime UTR variant (2).
Genome position (GRCh38, 1-based): chr4:113,336,022, G>A. VCF-style: chr4-113336022-G-A. GRCh37 (hg19) VCF-style: chr4-114257178-G-A.
Other names: c.3553G>A, p.Gly1185Arg (NM_001354246.2, NM_001354265.2, NM_001354235.2); c.3370G>A, p.Gly1124Arg (NM_001354249.2, NM_001354266.2, NM_001354267.2 and 6 more transcripts); c.3526G>A, p.Gly1176Arg (NM_001354252.2, NM_001354239.2); c.3331G>A, p.Gly1111Arg (NM_001354253.2, NM_001354270.2); c.3505G>A, p.Gly1169Arg (NM_001354254.2); c.3493G>A, p.Gly1165Arg (NM_001354255.2, NM_001386143.1, NM_001354243.2); c.3490G>A, p.Gly1164Arg (NM_001354256.2, NM_001386161.1, NM_001354244.2); c.3295G>A, p.Gly1099Arg (NM_001354257.2, NM_001386156.1); and 31 more; short protein forms G1025R, G1058R, G1086R, G1091R, G1099R, G1111R, G1115R, G1119R.
Identifiers: ClinVar variation 3363867 (VCV003363867.1).
Genomic context (GRCh38, chr4:113,336,022, plus strand): 5'-CCAGAAGGAGGTGTACTGAGCAGCACAGTGGTGCCCCAGGTGCAGGCCGTCTTCCCAGAG[G>A]GGGCACTCACCAAGCGGATCCGCGTAGGCCTGCAGGTATGCCCATGTTAGATGCAAATGA-3'
Protein context (NP_001139.3, residues 1176-1196): VPQVQAVFPE[Gly1186Arg]ALTKRIRVGL